The following is an entry in ClinVar:

NM_000094.4(COL7A1):c.7183G>A (p.Gly2395Ser)

Gene: COL7A1 (collagen type VII alpha 1 chain; minus strand). Cytogenetic location: 3p21.31.
Variant type: single nucleotide variant.
Coding change: c.7183G>A on transcript NM_000094.4 (MANE Select); coding-DNA position 7183, G replaced by A.
Protein change: p.Gly2395Ser; replaces glycine 2395 with serine.
Molecular consequence: missense variant.
Genome position (GRCh38, 1-based): chr3:48,570,950, C>T on the plus strand (G>A on the coding strand, the complement: COL7A1 is on the minus strand). VCF-style: chr3-48570950-C-T. GRCh37 (hg19) VCF-style: chr3-48608383-C-T.
Other names: short protein forms G2395S.
Identifiers: ClinVar variation 3683485 (VCV003683485.2).

ClinVar aggregate classification (germline): Uncertain significance (1 of 4 stars; one submission).

gnomAD v4.1: 1 of 1,613,552 alleles (0.000062%); highest among the groups gnomAD compares: Non-Finnish European, 0.000085%; no homozygotes.

Submission:

Labcorp Genetics (formerly Invitae), Labcorp
Classification: Uncertain significance. Last evaluated: 2024-02-08. Review status: criteria provided, single submitter. Criteria: Invitae Variant Classification Sherloc (09022015). Collection method: clinical testing. Allele origin: germline.
Comment: This sequence change replaces glycine, which is neutral and non-polar, with serine, which is neutral and polar, at codon 2395 of the COL7A1 protein (p.Gly2395Ser). This variant is not present in population databases (gnomAD no frequency). This variant has not been reported in the literature in individuals affected with COL7A1-related conditions. Advanced modeling of protein sequence and biophysical properties (such as structural, functional, and spatial information, amino acid conservation, physicochemical variation, residue mobility, and thermodynamic stability) performed at Invitae indicates that this missense variant is expected to disrupt COL7A1 protein function with a positive predictive value of 95%. This variant disrupts the triple helix domain of COL7A1. Glycine residues within the Gly-Xaa-Yaa repeats of the triple helix domain are required for the structure and stability of fibrillar collagens (PMID: 7695699, 8218237, 19344236), and variants at these glycine residues in COL7A1 are more frequently observed in individuals with disease than in the general population (PMID: 22058051). However, the clinical significance of this observation remains uncertain since only a limited number of affected individuals have been described to date. In summary, the available evidence is currently insufficient to determine the role of this variant in disease. Therefore, it has been classified as a Variant of Uncertain Significance.

Literature cited by the submitters: PubMed 7695699; PubMed 8218237; PubMed 19344236; PubMed 22058051.